The following is an entry in ClinVar:

NM_000245.4(MET):c.245C>T (p.Ala82Val)

Gene: MET (MET proto-oncogene, receptor tyrosine kinase; plus strand). Cytogenetic location: 7q31.2.
Variant type: single nucleotide variant.
Coding change: c.245C>T on transcript NM_000245.4 (MANE Select); coding-DNA position 245, C replaced by T.
Protein change: p.Ala82Val; replaces alanine 82 with valine.
Molecular consequence: missense variant. On other transcripts: intron variant (1).
Genome position (GRCh38, 1-based): chr7:116,699,329, C>T. VCF-style: chr7-116699329-C-T. GRCh37 (hg19) VCF-style: chr7-116339383-C-T.
Other names: c.245C>T, p.Ala82Val (NM_001127500.3, NM_001324401.3); c.-91+26752C>T (NM_001324402.2); short protein forms A82V.
Identifiers: ClinVar variation 642888 (VCV000642888.11), dbSNP rs1584876240, ClinGen allele CA368968652.

ClinVar aggregate classification (germline): Conflicting classifications of pathogenicity. Review status: criteria provided, conflicting classifications (1 of 4 stars). 2 submissions from 2 submitters: Uncertain significance (1); Likely benign (1). Last evaluated 2025-08-08.

Conditions:
Renal cell carcinoma. Identifiers: Orphanet 217071, MedGen C0007134, MeSH D002292, MONDO:0005086, HP:0005584.
Hereditary cancer-predisposing syndrome. Also called: Neoplastic Syndromes, Hereditary; Tumor predisposition; Hereditary neoplastic syndrome; Hereditary Cancer Syndrome. Identifiers: Orphanet 140162, MedGen C0027672, MeSH D009386, MONDO:0015356.

Submissions (2):

Ambry Genetics
Classification: Likely benign for Hereditary cancer-predisposing syndrome. Last evaluated: 2025-08-08. Review status: criteria provided, single submitter. Criteria: Ambry Variant Classification Scheme 2023. Collection method: clinical testing. Allele origin: germline.

Labcorp Genetics (formerly Invitae), Labcorp
Classification: Uncertain significance for Renal cell carcinoma. Last evaluated: 2018-08-02. Review status: criteria provided, single submitter. Criteria: Invitae Variant Classification Sherloc (09022015). Collection method: clinical testing. Allele origin: germline.
Comment: This sequence change replaces alanine with valine at codon 82 of the MET protein (p.Ala82Val). The alanine residue is weakly conserved and there is a small physicochemical difference between alanine and valine. This variant is not present in population databases (ExAC no frequency). This variant has not been reported in the literature in individuals with MET-related disease. Algorithms developed to predict the effect of missense changes on protein structure and function are either unavailable or do not agree on the potential impact of this missense change (SIFT: "Tolerated"; PolyPhen-2: "Possibly Damaging"; Align-GVGD: "Class C0"). In summary, the available evidence is currently insufficient to determine the role of this variant in disease. Therefore, it has been classified as a Variant of Uncertain Significance.